The following is an entry in ClinVar:

NM_000081.4(LYST):c.11375A>G (p.Tyr3792Cys)

Gene: LYST (lysosomal trafficking regulator; minus strand). Cytogenetic location: 1q42.3.
Variant type: single nucleotide variant.
Coding change: c.11375A>G on transcript NM_000081.4 (MANE Select); coding-DNA position 11375, A replaced by G.
Protein change: p.Tyr3792Cys; replaces tyrosine 3792 with cysteine.
Molecular consequence: missense variant.
Genome position (GRCh38, 1-based): chr1:235,662,971, T>C on the plus strand (A>G on the coding strand, the complement: LYST is on the minus strand). VCF-style: chr1-235662971-T-C. GRCh37 (hg19) VCF-style: chr1-235826271-T-C.
Other names: c.11375A>G, p.Tyr3792Cys (NM_001301365.1); short protein forms Y3792C.
Identifiers: ClinVar variation 1045854 (VCV001045854.2), dbSNP rs1251205120, ClinGen allele CA344984024.

ClinVar aggregate classification (germline): Uncertain significance (1 of 4 stars; one submission).

Conditions:
Chédiak-Higashi syndrome (CHS). Also called: Chediak-Higashi Syndrome. Identifiers: Orphanet 167, MedGen C0007965, MONDO:0008963, OMIM 214500.

gnomAD v4.1: 2 of 1,609,070 alleles (0.00012%); highest among the groups gnomAD compares: South Asian, 0.0022%; no homozygotes.

Submission:

Labcorp Genetics (formerly Invitae), Labcorp
Classification: Uncertain significance for Chédiak-Higashi syndrome. Last evaluated: 2022-08-31. Review status: criteria provided, single submitter. Criteria: Invitae Variant Classification Sherloc (09022015). Collection method: clinical testing. Allele origin: germline.
Comment: This sequence change replaces tyrosine, which is neutral and polar, with cysteine, which is neutral and slightly polar, at codon 3792 of the LYST protein (p.Tyr3792Cys). This variant is present in population databases (no rsID available, gnomAD 0.003%). This variant has not been reported in the literature in individuals affected with LYST-related conditions. ClinVar contains an entry for this variant (Variation ID: 1045854). Algorithms developed to predict the effect of missense changes on protein structure and function output the following: SIFT: "Tolerated"; PolyPhen-2: "Benign"; Align-GVGD: "Class C0". The cysteine amino acid residue is found in multiple mammalian species, which suggests that this missense change does not adversely affect protein function. In summary, the available evidence is currently insufficient to determine the role of this variant in disease. Therefore, it has been classified as a Variant of Uncertain Significance.